The following is an entry in ClinVar:

NM_024577.4(SH3TC2):c.1406C>T (p.Pro469Leu)

Gene: SH3TC2 (SH3 domain and tetratricopeptide repeats 2; minus strand). Cytogenetic location: 5q32.
Variant type: single nucleotide variant.
Coding change: c.1406C>T on transcript NM_024577.4 (MANE Select); coding-DNA position 1406, C replaced by T.
Protein change: p.Pro469Leu; replaces proline 469 with leucine.
Molecular consequence: missense variant.
Genome position (GRCh38, 1-based): chr5:149,028,326, G>A on the plus strand (C>T on the coding strand, the complement: SH3TC2 is on the minus strand). VCF-style: chr5-149028326-G-A. GRCh37 (hg19) VCF-style: chr5-148407889-G-A.
Other names: short protein forms P469L.
Identifiers: ClinVar variation 2197525 (VCV002197525.6), dbSNP rs768222032, ClinGen allele CA3499183.

ClinVar aggregate classification (germline): Conflicting classifications of pathogenicity. Review status: criteria provided, conflicting classifications (1 of 4 stars). 3 submissions from 3 submitters: Uncertain significance (2); Benign (1). Last evaluated 2026-05-26.

Conditions:
Inborn genetic diseases. Identifiers: MedGen C0950123, MeSH D030342.
Charcot-Marie-Tooth disease type 4. Also called: Charcot-Marie-Tooth disease, type IV; Charcot-Marie-Tooth, Type 4. Identifiers: Orphanet 64749, MedGen C4082197, MONDO:0018995.
SH3TC2-related disorder. Also called: SH3TC2-related condition; SH3TC2-related disorders. Identifiers: MedGen CN239303.

Allele frequency attached by ClinVar (database versions not stated): gnomAD 0.00002; TOPMed 0.00002; ExAC 0.00003; gnomAD exomes 0.00003.
gnomAD v4.1: 18 of 1,613,910 alleles (0.0011%); highest among the groups gnomAD compares: Admixed American, 0.03%; no homozygotes.

Submissions (3):

PreventionGenetics, part of Exact Sciences
Classification: Uncertain significance for SH3TC2-related condition. Last evaluated: 2026-05-26. Review status: criteria provided, single submitter. Criteria: ACMG Guidelines, 2015. Collection method: clinical testing. Allele origin: germline.
Comment: The SH3TC2 c.1406C>T variant is predicted to result in the amino acid substitution p.Pro469Leu. To our knowledge, this variant has not been reported in the literature. This variant is reported in 0.037% of alleles in individuals of Latino descent in gnomAD. At this time, the clinical significance of this variant is uncertain due to the absence of conclusive functional and genetic evidence.

Labcorp Genetics (formerly Invitae), Labcorp
Classification: Benign for Charcot-Marie-Tooth disease type 4. Last evaluated: 2026-01-21. Review status: criteria provided, single submitter. Criteria: Invitae Variant Classification Sherloc (09022015). Collection method: clinical testing. Allele origin: germline.

Ambry Genetics
Classification: Uncertain significance for Inborn genetic diseases. Last evaluated: 2025-06-12. Review status: criteria provided, single submitter. Criteria: Ambry Variant Classification Scheme 2023. Collection method: clinical testing. Allele origin: germline.